The following is an entry in ClinVar:

NM_012330.4(KAT6B):c.2143G>C (p.Asp715His)

Gene: KAT6B (lysine acetyltransferase 6B; plus strand). Cytogenetic location: 10q22.2.
Variant type: single nucleotide variant.
Coding change: c.2143G>C on transcript NM_012330.4 (MANE Select); coding-DNA position 2143, G replaced by C.
Protein change: p.Asp715His; replaces aspartic acid 715 with histidine.
Molecular consequence: missense variant. On other transcripts: intron variant (2).
Genome position (GRCh38, 1-based): chr10:74,979,251, G>C. VCF-style: chr10-74979251-G-C. GRCh37 (hg19) VCF-style: chr10-76739009-G-C.
Other names: c.1594G>C, p.Asp532His (NM_001256468.2, NM_001370138.1); c.1267G>C, p.Asp423His (NM_001256469.2, NM_001370132.1, NM_001370139.1 and 3 more transcripts); c.220G>C, p.Asp74His (NM_001370134.1); c.2143G>C, p.Asp715His (NM_001370136.1, NM_001370137.1); c.1078G>C, p.Asp360His (NM_001370143.1, NM_001370144.1); c.846+9476G>C (NM_001370133.1); c.193-9768G>C (NM_001370135.1); short protein forms D74H, D360H, D423H, D532H, D715H.
Identifiers: ClinVar variation 1385721 (VCV001385721.6), dbSNP rs1842357931, ClinGen allele CA377291989.

ClinVar aggregate classification (germline): Uncertain significance (1 of 4 stars; one submission).

Conditions:
Genitopatellar syndrome (GTPTS). Also called: Genitopatellar syndrome (GPS); ABSENT PATELLAE, SCROTAL HYPOPLASIA, RENAL ANOMALIES, FACIAL DYSMORPHISM, AND MENTAL RETARDATION. Identifiers: Orphanet 85201, MedGen C1853566, MONDO:0011640, OMIM 606170.

Allele frequency attached by ClinVar (database versions not stated): gnomAD exomes below 0.00001; TOPMed below 0.00001; gnomAD 0.00001.
gnomAD v4.1: 3 of 1,613,316 alleles (0.00019%); highest among the groups gnomAD compares: East Asian, 0.0022%; no homozygotes.

Submission:

Labcorp Genetics (formerly Invitae), Labcorp
Classification: Uncertain significance for Genitopatellar syndrome. Last evaluated: 2025-05-03. Review status: criteria provided, single submitter. Criteria: Invitae Variant Classification Sherloc (09022015). Collection method: clinical testing. Allele origin: germline.
Comment: This sequence change replaces aspartic acid, which is acidic and polar, with histidine, which is basic and polar, at codon 715 of the KAT6B protein (p.Asp715His). This variant is not present in population databases (gnomAD no frequency). This variant has not been reported in the literature in individuals affected with KAT6B-related conditions. ClinVar contains an entry for this variant (Variation ID: 1385721). Invitae Evidence Modeling of protein sequence and biophysical properties (such as structural, functional, and spatial information, amino acid conservation, physicochemical variation, residue mobility, and thermodynamic stability) indicates that this missense variant is not expected to disrupt KAT6B protein function with a negative predictive value of 80%. In summary, the available evidence is currently insufficient to determine the role of this variant in disease. Therefore, it has been classified as a Variant of Uncertain Significance.